The following is an entry in ClinVar:

NM_000795.4(DRD2):c.287T>C (p.Val96Ala)

Gene: DRD2 (dopamine receptor D2; minus strand). Cytogenetic location: 11q23.2.
Variant type: single nucleotide variant.
Coding change: c.287T>C on transcript NM_000795.4 (MANE Select); coding-DNA position 287, T replaced by C.
Protein change: p.Val96Ala; replaces valine 96 with alanine.
Molecular consequence: missense variant.
Genome position (GRCh38, 1-based): chr11:113,418,135, A>G on the plus strand (T>C on the coding strand, the complement: DRD2 is on the minus strand). VCF-style: chr11-113418135-A-G. GRCh37 (hg19) VCF-style: chr11-113288857-A-G.
Other names: c.287T>C, p.Val96Ala (NM_016574.4); short protein forms V96A.
Identifiers: ClinVar variation 2888339 (VCV002888339.3), dbSNP rs768995013, ClinGen allele CA6281436.

ClinVar aggregate classification (germline): Uncertain significance (1 of 4 stars; one submission).

Conditions:
Dystonic disorder. Also called: Dystonia. Identifiers: MedGen C0013421, MONDO:0003441, HP:0001332.

Allele frequency attached by ClinVar (database versions not stated): gnomAD exomes below 0.00001; gnomAD 0.00001; ExAC 0.00002.
gnomAD v4.1: 4 of 1,612,904 alleles (0.00025%); highest among the groups gnomAD compares: Non-Finnish European, 0.00034%; no homozygotes.

Submission:

Labcorp Genetics (formerly Invitae), Labcorp
Classification: Uncertain significance for Dystonic disorder. Last evaluated: 2025-10-02. Review status: criteria provided, single submitter. Criteria: Invitae Variant Classification Sherloc (09022015). Collection method: clinical testing. Allele origin: germline.
Comment: This sequence change replaces valine, which is neutral and non-polar, with alanine, which is neutral and non-polar, at codon 96 of the DRD2 protein (p.Val96Ala). This variant is present in population databases (rs768995013, gnomAD 0.003%). This variant has not been reported in the literature in individuals affected with DRD2-related conditions. ClinVar contains an entry for this variant (Variation ID: 2888339). An algorithm developed to predict the effect of missense changes on protein structure and function (PolyPhen-2) suggests that this variant is likely to be disruptive. Experimental studies have shown that this missense change affects DRD2 function (PMID: 8824240, 10208638, 28119185). In summary, the available evidence is currently insufficient to determine the role of this variant in disease. Therefore, it has been classified as a Variant of Uncertain Significance.

Literature cited by the submitters: PubMed 8824240; PubMed 10208638; PubMed 28119185.